The following is an entry in ClinVar:

ClinVar aggregate classification (germline): Uncertain significance. Review status: criteria provided, multiple submitters, no conflicts (2 of 4 stars). 2 submissions from 2 submitters: Uncertain significance (2). Last evaluated 2025-01-01.

Submissions (2):

CeGaT Center for Human Genetics Tuebingen
Classification: Uncertain significance. Last evaluated: 2025-01-01. Review status: criteria provided, single submitter. Criteria: CeGaT Center For Human Genetics Tuebingen Variant Classification Criteria Version 2. Collection method: clinical testing. Allele origin: germline. Affected: yes. Observed: 1 variant allele.
Comment: BICRA: PM4:Supporting

Institute for Clinical Genetics, University Hospital TU Dresden, University Hospital TU Dresden
Classification: Uncertain significance. Last evaluated: 2022-10-27. Review status: criteria provided, single submitter. Criteria: ACMG Guidelines, 2015. Collection method: clinical testing. Allele origin: maternal.

NM_001394372.1(BICRA):c.4050ACC[2] (p.Pro1355del)

Gene: BICRA (BRD4 interacting chromatin remodeling complex associated protein; plus strand). Cytogenetic location: 19q13.33.
Variant type: Microsatellite.
Coding change: c.4050ACC[2] on transcript NM_001394372.1 (MANE Select); two copies in a row of the 3-base unit ACC starting at c.4050; the reference has three copies in a row; one copy, 3 bases deleted.
Protein change: p.Pro1355del; deletes proline 1355.
Molecular consequence: inframe deletion.
Genome position (GRCh38, 1-based): chr19:47,701,788-47,701,790, ACC deleted; deleting any 3 consecutive bases within chr19:47,701,780-47,701,790 gives the same sequence; the position shown is the placement nearest the transcript's 3' end. VCF-style (leftmost placement, unchanged base first): chr19-47701779-GCCA-G. GRCh37 (hg19) VCF-style: chr19-48205036-GCCA-G.
Other names: c.4050ACC[2], p.Pro1355del (NM_015711.3); short protein forms P1355del.
Identifiers: ClinVar variation 2576005 (VCV002576005.14), dbSNP rs1170922852, ClinGen allele CA633486559.